The following is an entry in ClinVar:

ClinVar aggregate classification (germline): Uncertain significance. Review status: criteria provided, multiple submitters, no conflicts (2 of 4 stars). 7 submissions from 7 submitters: Uncertain significance (7). Last evaluated 2025-08-20.

Conditions:
Fanconi anemia complementation group J. Also called: BRIP1-Related Fanconi Anemia. Identifiers: Orphanet 84, MedGen C1836860, MONDO:0012187, OMIM 609054.
Familial cancer of breast. Also called: hereditary breast carcinoma; Hereditary breast cancer; BREAST CANCER, FAMILIAL. Identifiers: Orphanet 227535, MedGen C0346153, MONDO:0016419, OMIM 114480. Disease mechanism: loss of function.
Hereditary cancer-predisposing syndrome. Also called: Tumor predisposition; Hereditary neoplastic syndrome; Neoplastic Syndromes, Hereditary; Hereditary Cancer Syndrome. Identifiers: Orphanet 140162, MedGen C0027672, MeSH D009386, MONDO:0015356.

Allele frequency attached by ClinVar (database versions not stated): gnomAD 0.00001; gnomAD exomes 0.00001; TOPMed 0.00001.
gnomAD v4.1: 10 of 1,608,352 alleles (0.00062%); highest among the groups gnomAD compares: Non-Finnish European, 0.00076%; no homozygotes.

Submissions (7):

Ambry Genetics
Classification: Uncertain significance for Hereditary cancer-predisposing syndrome. Last evaluated: 2025-08-20. Review status: criteria provided, single submitter. Criteria: Ambry Variant Classification Scheme 2023. Collection method: clinical testing. Allele origin: germline.
Comment: The p.L810V variant (also known as c.2428C>G), located in coding exon 16 of the BRIP1 gene, results from a C to G substitution at nucleotide position 2428. The leucine at codon 810 is replaced by valine, an amino acid with highly similar properties. This amino acid position is highly conserved in available vertebrate species. In addition, this alteration is predicted to be tolerated by in silico analysis. Since supporting evidence is limited at this time, the clinical significance of this alteration remains unclear.

Labcorp Genetics (formerly Invitae), Labcorp
Classification: Uncertain significance for Familial cancer of breast; Fanconi anemia complementation group J. Last evaluated: 2025-01-17. Review status: criteria provided, single submitter. Criteria: Invitae Variant Classification Sherloc (09022015). Collection method: clinical testing. Allele origin: germline.
Comment: This sequence change replaces leucine, which is neutral and non-polar, with valine, which is neutral and non-polar, at codon 810 of the BRIP1 protein (p.Leu810Val). This variant is not present in population databases (gnomAD no frequency). This variant has not been reported in the literature in individuals affected with BRIP1-related conditions. ClinVar contains an entry for this variant (Variation ID: 128172). Invitae Evidence Modeling of protein sequence and biophysical properties (such as structural, functional, and spatial information, amino acid conservation, physicochemical variation, residue mobility, and thermodynamic stability) has been performed for this missense variant. However, the output from this modeling did not meet the statistical confidence thresholds required to predict the impact of this variant on BRIP1 protein function. In summary, the available evidence is currently insufficient to determine the role of this variant in disease. Therefore, it has been classified as a Variant of Uncertain Significance.

Baylor Genetics
Classification: Uncertain significance for Familial cancer of breast. Last evaluated: 2024-03-25. Review status: criteria provided, single submitter. Criteria: ACMG Guidelines, 2015. Collection method: clinical testing. Allele origin: unknown.

Color Diagnostics, LLC DBA Color Health
Classification: Uncertain significance for Hereditary cancer-predisposing syndrome. Last evaluated: 2024-03-06. Review status: criteria provided, single submitter. Criteria: ACMG Guidelines, 2015. Collection method: clinical testing. Allele origin: germline.
Comment: This missense variant replaces leucine with valine at codon 810 of the BRIP1 protein. Computational prediction is inconclusive regarding the impact of this variant on protein structure and function (internally defined REVEL score threshold 0.5 < inconclusive < 0.7, PMID: 27666373). To our knowledge, functional studies have not been reported for this variant. This variant has not been reported in individuals affected with BRIP1-related disorders in the literature. This variant has not been identified in the general population by the Genome Aggregation Database (gnomAD). The available evidence is insufficient to determine the role of this variant in disease conclusively. Therefore, this variant is classified as a Variant of Uncertain Significance.

Blueprint Genetics
Classification: Uncertain significance. Last evaluated: 2023-08-29. Review status: criteria provided, single submitter. Criteria: ACMG Guidelines, 2015. Collection method: clinical testing. Allele origin: germline.

Quest Diagnostics Nichols Institute San Juan Capistrano
Classification: Uncertain significance. Last evaluated: 2023-08-03. Review status: criteria provided, single submitter. Criteria: Quest Diagnostics criteria. Collection method: clinical testing. Allele origin: unknown.
Comment: This variant has not been reported in individuals with a BRIP1 related condition. This variant has not been reported in large, multi-ethnic general populations (Genome Aggregation Database). Analysis of this variant using bioinformatics tools for the prediction of the effect of amino acid changes on protein structure and function yielded conflicting predictions that this variant is benign or damaging. Based on the available information, we are unable to determine the clinical significance of this variant.

GeneDx
Classification: Uncertain significance. Last evaluated: 2020-07-15. Review status: criteria provided, single submitter. Criteria: GeneDx Variant Classification Process June 2021. Collection method: clinical testing. Allele origin: germline. Affected: yes.
Comment: Not observed in large population cohorts (Lek et al., 2016); In silico analysis supports that this missense variant has a deleterious effect on protein structure/function; This variant is associated with the following publications: (PMID: 28873162)

Literature cited by the submitters: PubMed 28569743 (cited by Quest Diagnostics Nichols Institute San Juan Capistrano).

NM_032043.3(BRIP1):c.2428C>G (p.Leu810Val)

Gene: BRIP1 (BRCA1 interacting DNA helicase 1; minus strand). Cytogenetic location: 17q23.2.
Variant type: single nucleotide variant.
Coding change: c.2428C>G on transcript NM_032043.3 (MANE Select); coding-DNA position 2428, C replaced by G.
Protein change: p.Leu810Val; replaces leucine 810 with valine.
Molecular consequence: missense variant.
Genome position (GRCh38, 1-based): chr17:61,716,015, G>C on the plus strand (C>G on the coding strand, the complement: BRIP1 is on the minus strand). VCF-style: chr17-61716015-G-C. GRCh37 (hg19) VCF-style: chr17-59793376-G-C.
Other names: p.L810V:CTT>GTT; short protein forms L810V.
Identifiers: ClinVar variation 128172 (VCV000128172.26), dbSNP rs587780238, ClinGen allele CA288553.